The following is an entry in ClinVar:

ClinVar aggregate classification (germline): Uncertain significance (1 of 4 stars; one submission).

Allele frequency attached by ClinVar (database versions not stated): gnomAD 0.00001 and 0.00002; TOPMed 0.00005.
gnomAD v4.1: 9 of 1,439,332 alleles (0.00063%); highest among the groups gnomAD compares: African/African-American, 0.011%; no homozygotes.

Submission:

Labcorp Genetics (formerly Invitae), Labcorp
Classification: Uncertain significance. Last evaluated: 2022-05-19. Review status: criteria provided, single submitter. Criteria: Invitae Variant Classification Sherloc (09022015). Collection method: clinical testing. Allele origin: germline.
Comment: This sequence change replaces glycine, which is neutral and non-polar, with arginine, which is basic and polar, at codon 339 of the TSFM protein (p.Gly339Arg). This variant is present in population databases (rs560659010, gnomAD 0.02%). This variant has not been reported in the literature in individuals affected with TSFM-related conditions. Algorithms developed to predict the effect of missense changes on protein structure and function are either unavailable or do not agree on the potential impact of this missense change (SIFT: "Tolerated"; PolyPhen-2: "Not Available"; Align-GVGD: "Class C0"). In summary, the available evidence is currently insufficient to determine the role of this variant in disease. Therefore, it has been classified as a Variant of Uncertain Significance.

NM_005726.6(TSFM):c.952G>C (p.Gly318Arg)

Gene: TSFM (Ts translation elongation factor, mitochondrial; plus strand). Cytogenetic location: 12q14.1.
Variant type: single nucleotide variant.
Coding change: c.952G>C on transcript NM_005726.6 (MANE Select); coding-DNA position 952, G replaced by C.
Protein change: p.Gly318Arg; replaces glycine 318 with arginine.
Molecular consequence: missense variant. On other transcripts: 3 prime UTR variant (1), intron variant (1).
Genome position (GRCh38, 1-based): chr12:57,796,557, G>C. VCF-style: chr12-57796557-G-C. GRCh37 (hg19) VCF-style: chr12-58190340-G-C.
Other names: c.*360G>C (NM_001172695.2); c.1015G>C, p.Gly339Arg (NM_001172696.2); c.571+3484G>C (NM_001172697.2); short protein forms G339R, G318R.
Identifiers: ClinVar variation 1364847 (VCV001364847.3), dbSNP rs560659010, ClinGen allele CA237837770.